The following is an entry in ClinVar:

ClinVar aggregate classification (germline): Benign. Review status: criteria provided, multiple submitters, no conflicts (2 of 4 stars). 9 submissions from 9 submitters: Benign (7). 2 of the submissions do not count toward it. Last evaluated 2026-02-04.

Conditions:
Cardiovascular phenotype. Identifiers: MedGen CN230736.

Allele frequency attached by ClinVar (database versions not stated): gnomAD exomes 0.02452; ESP Exome Variant Server 0.02890; 1000 Genomes Project 0.02556; gnomAD 0.02818 and 0.02823; TOPMed 0.02849; ExAC 0.03042; 1000 Genomes Project 30x 0.02389.
gnomAD v4.1: 43,070 of 1,608,236 alleles (2.7%); highest among the groups gnomAD compares: Middle Eastern, 5.5%; 687 homozygotes.

Submissions (9):

Labcorp Genetics (formerly Invitae), Labcorp
Classification: Benign. Last evaluated: 2026-02-04. Review status: criteria provided, single submitter. Criteria: Invitae Variant Classification Sherloc (09022015). Collection method: clinical testing. Allele origin: germline.

Molecular Diagnostic Laboratory for Inherited Cardiovascular Disease, Montreal Heart Institute
Classification: Benign. Last evaluated: 2025-04-08. Review status: criteria provided, single submitter. Criteria: ACMG Guidelines, 2015. Collection method: clinical testing. Allele origin: germline. Affected: no.

Mayo Clinic Laboratories, Mayo Clinic
Classification: Benign. Last evaluated: 2024-12-16. Review status: criteria provided, single submitter. Criteria: ACMG Guidelines, 2015. Collection method: clinical testing. Allele origin: germline. Observed: 12 variant alleles.
Comment: BS1, BS2, BP4

Blueprint Genetics
Classification: Benign. Last evaluated: 2024-11-27. Review status: criteria provided, single submitter. Criteria: ACMG Guidelines, 2015. Collection method: clinical testing. Allele origin: germline.

GeneDx
Classification: Benign. Last evaluated: 2019-11-01. Review status: criteria provided, single submitter. Criteria: GeneDx Variant Classification Process June 2021. Collection method: clinical testing. Allele origin: germline. Affected: yes.
Comment: This variant is associated with the following publications: (PMID: 31619059, 30037590, 33111339)

Ambry Genetics
Classification: Benign for Cardiovascular phenotype. Last evaluated: 2019-03-01. Review status: criteria provided, single submitter. Criteria: Ambry Variant Classification Scheme 2023. Collection method: clinical testing. Allele origin: germline.

Breakthrough Genomics
Classification: Benign. Review status: criteria provided, single submitter. Criteria: ACMG Guidelines, 2015. Collection method: not provided. Allele origin: germline. Inheritance: Autosomal recessive inheritance. Affected: yes.

Clinical Genetics, Academic Medical Center
Classification: Likely benign. Review status: no assertion criteria provided. Collection method: clinical testing. Allele origin: germline. Affected: yes. Study: VKGL Data-share Consensus. Not counted in ClinVar's aggregate classification.

Diagnostic Laboratory, Department of Genetics, University Medical Center Groningen
Classification: Benign. Review status: no assertion criteria provided. Collection method: clinical testing. Allele origin: germline. Affected: yes. Study: VKGL Data-share Consensus. Not counted in ClinVar's aggregate classification.

Literature cited by the submitters: PubMed 22239554 (cited by Mayo Clinic Laboratories, Mayo Clinic); PubMed 30037590 (cited by Mayo Clinic Laboratories, Mayo Clinic); PubMed 31619059 (cited by Mayo Clinic Laboratories, Mayo Clinic); PubMed 33111339 (cited by Mayo Clinic Laboratories, Mayo Clinic).

NM_022773.4(LMF1):c.1091G>A (p.Arg364Gln)

Gene: LMF1 (lipase maturation factor 1; minus strand). Cytogenetic location: 16p13.3.
Variant type: single nucleotide variant.
Coding change: c.1091G>A on transcript NM_022773.4 (MANE Select); coding-DNA position 1091, G replaced by A.
Protein change: p.Arg364Gln; replaces arginine 364 with glutamine.
Molecular consequence: missense variant. On other transcripts: non-coding transcript variant (1).
Genome position (GRCh38, 1-based): chr16:870,870, C>T on the plus strand (G>A on the coding strand, the complement: LMF1 is on the minus strand). VCF-style: chr16-870870-C-T. GRCh37 (hg19) VCF-style: chr16-920870-C-T.
Other names: p.Arg364Gln; c.440G>A, p.Arg147Gln (NM_001352017.2, NM_001352021.2); c.692G>A, p.Arg231Gln (NM_001352018.2); c.764G>A, p.Arg255Gln (NM_001352019.2); c.1091G>A, p.Arg364Gln (NM_001352020.1); short protein forms R147Q, R231Q, R255Q, R364Q.
Identifiers: ClinVar variation 978327 (VCV000978327.19), dbSNP rs35168378, ClinGen allele CA7797186.